The following is an entry in ClinVar:

NM_001142800.2(EYS):c.5417C>T (p.Thr1806Met)

Gene: EYS (EGF-like photoreceptor maintenance factor; minus strand). Cytogenetic location: 6q12.
Variant type: single nucleotide variant.
Coding change: c.5417C>T on transcript NM_001142800.2 (MANE Select); coding-DNA position 5417, C replaced by T.
Protein change: p.Thr1806Met; replaces threonine 1806 with methionine.
Molecular consequence: missense variant.
Genome position (GRCh38, 1-based): chr6:64,590,450, G>A on the plus strand (C>T on the coding strand, the complement: EYS is on the minus strand). VCF-style: chr6-64590450-G-A. GRCh37 (hg19) VCF-style: chr6-65300343-G-A.
Other names: c.5417C>T, p.Thr1806Met (NM_001292009.2); short protein forms T1806M.
Identifiers: ClinVar variation 2158963 (VCV002158963.2), dbSNP rs772856697, ClinGen allele CA3877017.
Genomic context (GRCh38, chr6:64,590,450, plus strand): 5'-GAGGTCATATAATCTGTAAAATATGGCCAATCTGGCCTAATTACAGACATGGAGGAAGAC[G>A]TCTGTATTGAAAGTGCTGGAGTTGCTGAAACTGTATAAAATGCAACATTGGTGGTGACTT-3'
Protein context (NP_001136272.1, residues 1796-1816): VSATPALSIQ[Thr1806Met]SSSMSVIRPD

ClinVar aggregate classification (germline): Uncertain significance (1 of 4 stars; one submission).

Allele frequency attached by ClinVar (database versions not stated): gnomAD exomes 0.00001; gnomAD 0.00004; TOPMed 0.00004; ExAC 0.00005.
gnomAD v4.1: 24 of 1,551,172 alleles (0.0015%); highest among the groups gnomAD compares: Middle Eastern, 0.017%; no homozygotes.

Submission:

Labcorp Genetics (formerly Invitae), Labcorp
Classification: Uncertain significance. Last evaluated: 2025-10-20. Review status: criteria provided, single submitter. Criteria: Invitae Variant Classification Sherloc (09022015). Collection method: clinical testing. Allele origin: germline.
Comment: This sequence change replaces threonine, which is neutral and polar, with methionine, which is neutral and non-polar, at codon 1806 of the EYS protein (p.Thr1806Met). This variant is present in population databases (rs772856697, gnomAD 0.009%). This variant has not been reported in the literature in individuals affected with EYS-related conditions. ClinVar contains an entry for this variant (Variation ID: 2158963). Invitae Evidence Modeling of protein sequence and biophysical properties (such as structural, functional, and spatial information, amino acid conservation, physicochemical variation, residue mobility, and thermodynamic stability) indicates that this missense variant is not expected to disrupt EYS protein function with a negative predictive value of 80%. In summary, the available evidence is currently insufficient to determine the role of this variant in disease. Therefore, it has been classified as a Variant of Uncertain Significance.